The following is an entry in ClinVar:

NC_012920.1(MT-ND2):m.4953A>G

Gene: MT-ND2 (mitochondrially encoded NADH dehydrogenase 2; plus strand).
Variant type: single nucleotide variant.
Genome position: chrM-4953-A-G.
Identifiers: ClinVar variation 692527 (VCV000692527.1), dbSNP rs1603219688, ClinGen allele CA414778226.

ClinVar aggregate classification (germline): Uncertain significance (1 of 4 stars; one submission).

Conditions:
Leigh syndrome (NULS). Also called: Leigh's necrotizing encephalopathy; Leigh's disease; Leigh Syndrome (mtDNA deletion); Leigh Disease; Subacute necrotizing encephalopathy; Necrotizing encephalopathy infantile subacute of Leigh. Identifiers: Orphanet 506, MedGen C2931891, MONDO:0009723, OMIM 256000.

Submission:

Wong Mito Lab, Molecular and Human Genetics, Baylor College of Medicine
Classification: Uncertain significance for Leigh syndrome. Last evaluated: 2019-10-17. Review status: criteria provided, single submitter. Criteria: Modified ACMG Guidelines (Unpublished). Collection method: clinical testing. Allele origin: germline.
Comment: The NC_012920.1:m.4953A>G (YP_003024027.1:p.Ile162Val) variant in MTND2 gene is interpretated to be a Uncertain Significance variant based on the modified ACMG guidelines (unpublished). This variant meets the following evidence codes: PP6, BP4